The following is an entry in ClinVar:

ClinVar aggregate classification (germline): Conflicting classifications of pathogenicity. Review status: criteria provided, conflicting classifications (1 of 4 stars). 5 submissions from 5 submitters: Uncertain significance (3); Likely benign (1). 1 of the submissions does not count toward it. Last evaluated 2026-01-24.

Conditions:
Retinal dystrophy. Also called: Inherited retinal dystrophy. Identifiers: Orphanet 71862, MedGen C0854723, MeSH D058499, MONDO:0019118, HP:0000556.
Retinitis pigmentosa 71 (RP71). Identifiers: Orphanet 791, MedGen C4225342, MONDO:0014618, OMIM 616394.
Short-rib thoracic dysplasia 10 with or without polydactyly (SRTD10). Identifiers: Orphanet 474, MedGen C3810175, MONDO:0014284, OMIM 615630.
Bardet-Biedl syndrome 20. Identifiers: MedGen C4310707, MONDO:0023670, OMIM 619471, MONDO:0014926.
IFT172-related disorder. Also called: IFT172-related disorders; IFT172-related condition.

Allele frequency attached by ClinVar (database versions not stated): ExAC 0.00007; TOPMed 0.00009; gnomAD 0.00010 and 0.00011; ESP Exome Variant Server 0.00015; 1000 Genomes Project 30x 0.00016; 1000 Genomes Project 0.00020.
gnomAD v4.1: 172 of 1,614,180 alleles (0.011%); highest among the groups gnomAD compares: Non-Finnish European, 0.012%; no homozygotes.

Submissions (5):

Labcorp Genetics (formerly Invitae), Labcorp
Classification: Likely benign for Retinitis pigmentosa 71; Short-rib thoracic dysplasia 10 with or without polydactyly. Last evaluated: 2026-01-24. Review status: criteria provided, single submitter. Criteria: Invitae Variant Classification Sherloc (09022015). Collection method: clinical testing. Allele origin: germline.

Blueprint Genetics
Classification: Uncertain significance. Last evaluated: 2024-08-19. Review status: criteria provided, single submitter. Criteria: ACMG Guidelines, 2015. Collection method: clinical testing. Allele origin: germline.

Fulgent Genetics
Classification: Uncertain significance for Short-rib thoracic dysplasia 10 with or without polydactyly; Retinitis pigmentosa 71; Bardet-Biedl syndrome 20. Last evaluated: 2024-03-12. Review status: criteria provided, single submitter. Criteria: ACMG Guidelines, 2015. Collection method: clinical testing. Allele origin: germline.

Institute of Human Genetics, Univ. Regensburg, Univ. Regensburg
Classification: Uncertain significance for Retinal dystrophy. Last evaluated: 2022-01-01. Review status: criteria provided, single submitter. Criteria: ACMG Guidelines, 2015. Collection method: clinical testing. Allele origin: germline. Affected: yes.

PreventionGenetics, part of Exact Sciences
Classification: Uncertain significance for IFT172-related condition. Last evaluated: 2024-07-18. Review status: no assertion criteria provided. Collection method: clinical testing. Allele origin: germline. Not counted in ClinVar's aggregate classification.
Comment: The IFT172 c.2159G>A variant is predicted to result in the amino acid substitution p.Arg720His. This variant has been reported within a cohort of individuals with an autism diagnosis, but has not been reported in the literature in association with an obesity phenotype (Supplemental Table 1, Zhou et al. 2022. PubMed ID: 35982159). This variant is reported in 0.012% of alleles in individuals of African descent in gnomAD. At this time the clinical significance of this variant is uncertain due to the absence of conclusive functional and genetic evidence.

Literature cited by the submitters: PubMed 35982159 (cited by Institute of Human Genetics, Univ. Regensburg, Univ. Regensburg).

NM_015662.3(IFT172):c.2159G>A (p.Arg720His)

Gene: IFT172 (intraflagellar transport 172; minus strand). Cytogenetic location: 2p23.3.
Variant type: single nucleotide variant.
Coding change: c.2159G>A on transcript NM_015662.3 (MANE Select); coding-DNA position 2159, G replaced by A.
Protein change: p.Arg720His; replaces arginine 720 with histidine.
Molecular consequence: missense variant.
Genome position (GRCh38, 1-based): chr2:27,461,793, C>T on the plus strand (G>A on the coding strand, the complement: IFT172 is on the minus strand). VCF-style: chr2-27461793-C-T. GRCh37 (hg19) VCF-style: chr2-27684660-C-T.
Other names: short protein forms R720H.
Identifiers: ClinVar variation 964509 (VCV000964509.14), dbSNP rs202089120, ClinGen allele CA1580378.